The following is an entry in ClinVar:

ClinVar aggregate classification (germline): Uncertain significance (1 of 4 stars; one submission).

Conditions:
Cardiovascular phenotype. Identifiers: MedGen CN230736.

Submissions (2):

Ambry Genetics
Classification: Uncertain significance for Cardiovascular phenotype. Last evaluated: 2022-09-28. Review status: criteria provided, single submitter. Criteria: Ambry Variant Classification Scheme 2023. Collection method: clinical testing. Allele origin: germline.
Comment: The p.V304L variant (also known as c.910G>T) is located in coding exon 7 of the BGN gene. The valine at codon 304 is replaced by leucine, an amino acid with highly similar properties. This change occurs in the first base pair of coding exon 7. This amino acid position is conserved. In addition, the in silico prediction for this alteration is inconclusive. Since supporting evidence is limited at this time, the clinical significance of this alteration remains unclear.

Dr. Peter K. Rogan Lab, Western University
No classification provided (evidence only). Condition: Thyroid cancer, nonmedullary, 1. Review status: no classification provided. Collection method: in vitro. Allele origin: not applicable. Functional consequence: retained intron. Not counted in ClinVar's aggregate classification.

NM_001711.6(BGN):c.910G>T (p.Val304Leu)

Gene: BGN (biglycan; plus strand). Cytogenetic location: Xq28.
Variant type: single nucleotide variant.
Coding change: c.910G>T on transcript NM_001711.6 (MANE Select); coding-DNA position 910, G replaced by T.
Protein change: p.Val304Leu; replaces valine 304 with leucine.
Molecular consequence: missense variant.
Genome position (GRCh38, 1-based): chrX:153,508,248, G>T. VCF-style: chrX-153508248-G-T. GRCh37 (hg19) VCF-style: chrX-152773706-G-T.
Other names: NC_000023.10:g.152773706G>T; short protein forms V304L.
Identifiers: ClinVar variation 1765844 (VCV001765844.3), dbSNP rs2521227910, ClinGen allele CA415071621.